The following is an entry in ClinVar:

ClinVar aggregate classification (germline): Likely pathogenic. Review status: criteria provided, multiple submitters, no conflicts (2 of 4 stars). 3 submissions from 3 submitters: Likely pathogenic (2). 1 of the submissions does not count toward it. Last evaluated 2023-10-19.

Conditions:
Retinitis pigmentosa (RP). Identifiers: Orphanet 791, MedGen C0035334, MeSH D012174, MONDO:0019200, OMIM 268000. Inheritance: Autosomal dominant, autosomal recessive and X linked inheritance.
EYS-related disorder. Also called: EYS-related condition.
Retinal dystrophy. Also called: Inherited retinal dystrophy. Identifiers: Orphanet 71862, MedGen C0854723, MeSH D058499, MONDO:0019118, HP:0000556.

Submissions (3):

Blueprint Genetics
Classification: Likely pathogenic for EYS-related disorders. Last evaluated: 2023-10-19. Review status: criteria provided, single submitter. Criteria: ACMG Guidelines, 2015. Collection method: clinical testing. Allele origin: germline. Affected: yes. Observed: 1 variant allele.

DNA-diagnostics Laboratory, Research Centre For Medical Genetics
Classification: Likely pathogenic for Retinitis pigmentosa. Review status: criteria provided, single submitter. Criteria: ACMG Guidelines, 2015. Collection method: clinical testing. Allele origin: germline. Inheritance: Autosomal recessive inheritance. Affected: yes. Observed: 1 heterozygote.
Comment: This sequence change creates a premature translational stop signal (p.Thr1606*) in the EYS gene. Nonsense variants in EYS are expected to be pathogenic. This variant is not present in population databases (gnomAD no frequency). For these reasons, this variant has been classified as likely pathogenic (PVS1, PM2).

Institute of Human Genetics, Univ. Regensburg, Univ. Regensburg
Classification: Pathogenic for Retinal dystrophy. Last evaluated: 2022-01-01. Review status: no assertion criteria provided. Criteria: ACMG Guidelines, 2015. Collection method: clinical testing. Allele origin: germline. Affected: yes. Not counted in ClinVar's aggregate classification.

NM_001142800.2(EYS):c.4815_4816delinsATAG (p.Thr1606Ter)

Gene: EYS (EGF-like photoreceptor maintenance factor; minus strand). Cytogenetic location: 6q12.
Variant type: Indel.
Coding change: c.4815_4816delinsATAG on transcript NM_001142800.2 (MANE Select); coding-DNA positions 4815 to 4816, CA replaced by ATAG.
Protein change: p.Thr1606Ter; replaces threonine 1606 with a stop codon.
Molecular consequence: nonsense.
Genome position (GRCh38, 1-based): chr6:64,591,051-64,591,052, TG replaced by CTAT on the plus strand (CA replaced by ATAG on the coding strand, the reverse complement: EYS is on the minus strand). VCF-style: chr6-64591051-TG-CTAT. GRCh37 (hg19) VCF-style: chr6-65300944-TG-CTAT.
Other names: c.4815_4816delinsATAG, p.Thr1606Ter (NM_001292009.2); short protein forms T1606*.
Identifiers: ClinVar variation 3249400 (VCV003249400.3).